The following is an entry in ClinVar:

ClinVar aggregate classification (germline): Likely benign. Review status: criteria provided, multiple submitters, no conflicts (2 of 4 stars). 2 submissions from 2 submitters: Likely benign (2). Last evaluated 2025-09-23.

Conditions:
Progressive myoclonic epilepsy. Also called: Familial progressive myoclonic epilepsy; Myoclonic Epilepsies, Progressive; Myoclonus epilepsy; Progressive myoclonus epilepsy. Identifiers: Orphanet 308, Orphanet 98261, MedGen C0751778, MONDO:0020074.

Allele frequency attached by ClinVar (database versions not stated): TOPMed 0.00002; ESP Exome Variant Server 0.00008.
gnomAD v4.1: 4 of 1,608,804 alleles (0.00025%); highest among the groups gnomAD compares: African/African-American, 0.0053%; no homozygotes.

Submissions (2):

Labcorp Genetics (formerly Invitae), Labcorp
Classification: Likely benign for Progressive myoclonic epilepsy. Last evaluated: 2025-09-23. Review status: criteria provided, single submitter. Criteria: Invitae Variant Classification Sherloc (09022015). Collection method: clinical testing. Allele origin: germline.

GeneDx
Classification: Likely benign. Last evaluated: 2017-02-27. Review status: criteria provided, single submitter. Criteria: GeneDx Variant Classification (06012015). Collection method: clinical testing. Allele origin: germline. Affected: yes.
Comment: This variant is considered likely benign or benign based on one or more of the following criteria: it is a conservative change, it occurs at a poorly conserved position in the protein, it is predicted to be benign by multiple in silico algorithms, and/or has population frequency not consistent with disease.

NM_005506.4(SCARB2):c.9A>T (p.Arg3=)

Gene: SCARB2 (scavenger receptor class B member 2; minus strand). Cytogenetic location: 4q21.1.
Variant type: single nucleotide variant.
Coding change: c.9A>T on transcript NM_005506.4 (MANE Select); coding-DNA position 9, A replaced by T.
Protein change: p.Arg3=; no amino-acid change (arginine 3 retained).
Molecular consequence: synonymous variant.
Genome position (GRCh38, 1-based): chr4:76,213,535, T>A on the plus strand (A>T on the coding strand, the complement: SCARB2 is on the minus strand). VCF-style: chr4-76213535-T-A. GRCh37 (hg19) VCF-style: chr4-77134688-T-A.
Other names: c.9A>T, p.Arg3= (NM_001204255.2).
Identifiers: ClinVar variation 507667 (VCV000507667.8), dbSNP rs148558907, ClinGen allele CA99864116.